The following is an entry in ClinVar:

NM_001142800.2(EYS):c.1534_1535del (p.Thr512fs)

Gene: EYS (EGF-like photoreceptor maintenance factor; minus strand). Cytogenetic location: 6q12.
Variant type: Deletion.
Coding change: c.1534_1535del on transcript NM_001142800.2 (MANE Select); coding-DNA positions 1534 to 1535, 2 bases deleted (AC; older notation c.1534_1535delAC).
Protein change: p.Thr512fs; shifts the reading frame from threonine 512.
Molecular consequence: frameshift variant.
Genome position (GRCh38, 1-based): chr6:65,344,102-65,344,103, GT deleted on the plus strand (AC on the coding strand, the reverse complement: EYS is on the minus strand). VCF-style (leftmost placement, unchanged base first): chr6-65344101-GGT-G. GRCh37 (hg19) VCF-style: chr6-66053994-GGT-G.
Other names: c.1534_1535del, p.Thr512fs (NM_001142801.2, NM_001292009.2, NM_198283.2); short protein forms T512fs.
Identifiers: ClinVar variation 4814616 (VCV004814616.1).
Genomic context (GRCh38, chr6:65,344,101, plus strand): 5'-TTTTGTGCCTTCATGTGGGAACCAACATGAAGAATTATTATCTTCAGGATCGTTCACATA[GGT>G]TGCATCTTCAGTGCAGTTTGCAGCCAGAAAGAAATAGGCATCAATAACCCCTTGGCACTT-3'

ClinVar aggregate classification (germline): Likely pathogenic (1 of 4 stars; one submission).

Conditions:
Retinitis pigmentosa 25 (RP25). Identifiers: Orphanet 791, MedGen C1864446, MONDO:0011272, OMIM 602772.

Submission:

Natera, Inc.
Classification: Likely pathogenic for Retinitis pigmentosa type 25. Last evaluated: 2025-12-11. Review status: criteria provided, single submitter. Criteria: Natera Variant Classification Schema (03/2026). Collection method: clinical testing. Allele origin: germline.
Comment: The c.1534_1535del variant in EYS is a frameshift variant predicted to shift the reading frame beginning at codon 512 and leads to a stop codon 6 codons downstream. This variant is expected to result in nonsense mediated decay, truncation, or a dysfunctional protein product. This variant is rare in the general population with a frequency below the threshold expected for the associated phenotype(s). Given the available evidence, this variant is classified as Likely Pathogenic.